The following is an entry in ClinVar:

ClinVar aggregate classification (germline): Uncertain significance (1 of 4 stars; one submission).

Submission:

GeneDx
Classification: Uncertain significance. Last evaluated: 2026-03-06. Review status: criteria provided, single submitter. Criteria: GeneDx Variant Classification Process June 2021. Collection method: clinical testing. Allele origin: germline.
Comment: Not observed at significant frequency in large population cohorts (gnomAD); In silico analysis supports that this missense variant has a deleterious effect on protein structure/function; Has not been previously published as pathogenic or benign to our knowledge

NM_003587.5(DHX16):c.1631C>G (p.Pro544Arg)

Gene: DHX16 (DEAH-box helicase 16; minus strand). Cytogenetic location: 6p21.33.
Variant type: single nucleotide variant.
Coding change: c.1631C>G on transcript NM_003587.5 (MANE Select); coding-DNA position 1631, C replaced by G.
Protein change: p.Pro544Arg; replaces proline 544 with arginine.
Molecular consequence: missense variant.
Genome position (GRCh38, 1-based): chr6:30,660,156, G>C on the plus strand (C>G on the coding strand, the complement: DHX16 is on the minus strand). VCF-style: chr6-30660156-G-C. GRCh37 (hg19) VCF-style: chr6-30627933-G-C.
Other names: c.1451C>G, p.Pro484Arg (NM_001164239.2); c.188C>G, p.Pro63Arg (NM_001363515.2); short protein forms P63R, P544R, P484R.
Identifiers: ClinVar variation 5008311 (VCV005008311.1).